The following is an entry in ClinVar:

NC_000012.11:g.(?_58186759)_(58190376_?)del

Gene: TSFM (Ts translation elongation factor, mitochondrial; plus strand). Cytogenetic location: 12q14.1.
Variant type: Deletion.
Identifiers: ClinVar variation 1071018 (VCV001071018.7).

ClinVar aggregate classification (germline): Pathogenic (1 of 4 stars; one submission).

Submission:

Labcorp Genetics (formerly Invitae), Labcorp
Classification: Pathogenic. Last evaluated: 2020-02-11. Review status: criteria provided, single submitter. Criteria: Invitae Variant Classification Sherloc (09022015). Collection method: clinical testing. Allele origin: germline.
Comment: For these reasons, this variant has been classified as Pathogenic. This variant disrupts the C-terminus of the TSFM protein. Other variant(s) that disrupt this region (p.Gln324Argfs*11, p.Arg333Trp) have been determined to be pathogenic (PMID: 17033963, 21741925, 22277967, 20435138). This suggests that variants that disrupt this region of the protein are likely to be causative of disease. This variant has not been reported in the literature in individuals with TSFM-related conditions. This variant is a gross deletion of the genomic region encompassing exons 6-7 of the TSFM gene. The 5' boundary is likely confined to intron 5. The 3' end of this event is unknown as it extends through the termination codon beyond the assayed region for this gene and may encompass additional genes. While this deletion is not anticipated to result in nonsense mediated decay, it is expected to create a truncated protein product or disrupt mRNA translation.

Literature cited by the submitters: PubMed 17033963; PubMed 21741925; PubMed 22277967; PubMed 20435138.